The following is an entry in ClinVar:

ClinVar aggregate classification (germline): Uncertain significance (1 of 4 stars; one submission).

Submission:

GeneDx
Classification: Uncertain significance. Last evaluated: 2023-10-09. Review status: criteria provided, single submitter. Criteria: GeneDx Variant Classification Process June 2021. Collection method: clinical testing. Allele origin: germline.
Comment: Not observed at significant frequency in large population cohorts (gnomAD); In silico analysis supports that this missense variant has a deleterious effect on protein structure/function; Has not been previously published as pathogenic or benign to our knowledge

NM_017780.4(CHD7):c.641C>T (p.Ser214Phe)

Gene: CHD7 (chromodomain helicase DNA binding protein 7; plus strand). Cytogenetic location: 8q12.2.
Variant type: single nucleotide variant.
Coding change: c.641C>T on transcript NM_017780.4 (MANE Select); coding-DNA position 641, C replaced by T.
Protein change: p.Ser214Phe; replaces serine 214 with phenylalanine.
Molecular consequence: missense variant.
Genome position (GRCh38, 1-based): chr8:60,742,073, C>T. VCF-style: chr8-60742073-C-T. GRCh37 (hg19) VCF-style: chr8-61654632-C-T.
Other names: c.641C>T, p.Ser214Phe (NM_001316690.1); short protein forms S214F.
Identifiers: ClinVar variation 2579808 (VCV002579808.2), dbSNP rs2487267423, ClinGen allele CA371298596.